The following is an entry in ClinVar:

NM_015557.3(CHD5):c.1857C>T (p.Tyr619=)

Gene: CHD5 (chromodomain helicase DNA binding protein 5; minus strand). Cytogenetic location: 1p36.31.
Variant type: single nucleotide variant.
Coding change: c.1857C>T on transcript NM_015557.3 (MANE Select); coding-DNA position 1857, C replaced by T.
Protein change: p.Tyr619=; no amino-acid change (tyrosine 619 retained).
Molecular consequence: synonymous variant.
Genome position (GRCh38, 1-based): chr1:6,144,101, G>A on the plus strand (C>T on the coding strand, the complement: CHD5 is on the minus strand). VCF-style: chr1-6144101-G-A. GRCh37 (hg19) VCF-style: chr1-6204161-G-A.
Identifiers: ClinVar variation 3059081 (VCV003059081.2), dbSNP rs17436816, ClinGen allele CA556932.
Genomic context (GRCh38, chr1:6,144,101, plus strand): 5'-CTGCTTGAGGTTGTCGTAGTAGGGGATGTCGATGTCATCGATCTCCCAGGTGCACTGGTC[G>A]TAGGGCAGGTCTTTCCACTTGATCAGGTAGTGCACATCCCCCTTCTTGTCAAAGCTGCAA-3'
Protein context (NP_056372.1, residues 609-629): HYLIKWKDLP[Tyr619=]DQCTWEIDDI

ClinVar aggregate classification (germline): Benign (0 of 4 stars; one submission).

Conditions:
CHD5-related disorder. Also called: CHD5-related condition.

Allele frequency attached by ClinVar (database versions not stated): 1000 Genomes Project 0.08267; 1000 Genomes Project 30x 0.08307; ESP Exome Variant Server 0.09203; gnomAD 0.09578; TOPMed 0.09895; gnomAD exomes 0.11111; ExAC 0.11424.
gnomAD v4.1: 177,322 of 1,614,092 alleles (11%); highest among the groups gnomAD compares: Middle Eastern, 24%; 10,743 homozygotes.

Submission:

PreventionGenetics, part of Exact Sciences
Classification: Benign for CHD5-related condition. Last evaluated: 2023-09-26. Review status: no assertion criteria provided. Collection method: clinical testing. Allele origin: germline.
Comment: This variant is classified as benign based on ACMG/AMP sequence variant interpretation guidelines (Richards et al. 2015 PMID: 25741868, with internal and published modifications).